The following is an entry in ClinVar:

ClinVar aggregate classification (germline): Pathogenic (1 of 4 stars; one submission).

Submission:

Quest Diagnostics Nichols Institute San Juan Capistrano
Classification: Pathogenic. Last evaluated: 2024-07-18. Review status: criteria provided, single submitter. Criteria: ACMG/ClinGen CNV Guidelines, 2019. Collection method: clinical testing. Allele origin: unknown.
Comment: This gain involves at least 57 protein-coding genes. A small heterozygous duplication of 1q22 was described in a family with behavioral abnormalities, intellectual disabilities, and developmental delays (Fichera 2014). Additionally, duplications slightly larger than the current interval have been reported (Firth 2009, Milone 2021). There are no similar copy number gains of this region in the general populations of the Database of Genomic Variants. Thus, based on current medical literature and gene content, this copy number variant (CNV) is classified as pathogenic. References: Fichera et al., Mol Cytogenet. 2014 Dec 19;7(1):90. PMID: 25540671 Firth et al., Am J Hum Genet. 2009 Apr;84(4):524-33. PMID: 19344873 Milone et al., Genes (Basel). 2021 Mar 31;12(4):511. PMID: 33807234

GRCh37/hg19 1q21.3-22(chr1:154822196-156304685)x3

Genes: ADAM15 (ADAM metallopeptidase domain 15; plus strand), ARHGEF2 (Rho/Rac guanine nucleotide exchange factor 2; minus strand), ASH1L (ASH1 like histone lysine methyltransferase; minus strand), BGLAP (bone gamma-carboxyglutamate protein; plus strand), CCT3 (chaperonin containing TCP1 subunit 3; minus strand) and 53 more. Cytogenetic location: 1q21.3-22.
Variant type: copy number gain.
Change: copy number 3 (three copies instead of two) of chr1:154,822,196-156,304,685 (1.48 Mb, GRCh37 coordinates, 1-based), cytogenetic band 1q21.3-22.
Identifiers: ClinVar variation 4682506 (VCV004682506.1).